The following is an entry in ClinVar:

ClinVar aggregate classification (germline): Likely benign (1 of 4 stars; one submission).

Allele frequency attached by ClinVar (database versions not stated): gnomAD 0.00007; 1000 Genomes Project 30x 0.00042.

Submission:

CeGaT Center for Human Genetics Tuebingen
Classification: Likely benign. Last evaluated: 2022-07-01. Review status: criteria provided, single submitter. Criteria: CeGaT Center For Human Genetics Tuebingen Variant Classification Criteria Version 2. Collection method: clinical testing. Allele origin: germline. Affected: yes. Observed: 1 variant allele.
Comment: VCX3B: BP4, BP7

NM_001001888.4(VCX3B):c.270G>A (p.Pro90=)

Gene: VCX3B (variable charge X-linked 3B; plus strand). Cytogenetic location: Xp22.31.
Variant type: single nucleotide variant.
Coding change: c.270G>A on transcript NM_001001888.4 (MANE Select); coding-DNA position 270, G replaced by A.
Protein change: p.Pro90=; no amino-acid change (proline 90 retained).
Molecular consequence: synonymous variant.
Genome position (GRCh38, 1-based): chrX:8,465,912, G>A. VCF-style: chrX-8465912-G-A. GRCh37 (hg19) VCF-style: chrX-8433953-G-A.
Identifiers: ClinVar variation 2659930 (VCV002659930.24), dbSNP rs753473369, ClinGen allele CA10343256.